The following is an entry in ClinVar:

NM_017999.5(RNF31):c.16G>A (p.Glu6Lys)

Genes: RNF31 (ring finger protein 31; plus strand), LOC121468009 (Sharpr-MPRA regulatory region 11827; plus strand). Cytogenetic location: 14q12.
Variant type: single nucleotide variant.
Coding change: c.16G>A on transcript NM_017999.5 (MANE Select); coding-DNA position 16, G replaced by A.
Protein change: p.Glu6Lys; replaces glutamic acid 6 with lysine.
Molecular consequence: missense variant. On other transcripts: intron variant (1).
Genome position (GRCh38, 1-based): chr14:24,147,714, G>A. VCF-style: chr14-24147714-G-A. GRCh37 (hg19) VCF-style: chr14-24616923-G-A.
Other names: c.16G>A (NM_017999.4); c.-325-262G>A (NM_001310332.2); short protein forms E6K.
Identifiers: ClinVar variation 1370234 (VCV001370234.7), dbSNP rs760682320, ClinGen allele CA7125344.

ClinVar aggregate classification (germline): Uncertain significance. Review status: criteria provided, multiple submitters, no conflicts (2 of 4 stars). 2 submissions from 2 submitters: Uncertain significance (2). Last evaluated 2025-03-27.

Allele frequency attached by ClinVar (database versions not stated): gnomAD exomes 0.00005; ExAC 0.00013; TOPMed 0.00002.
gnomAD v4.1: 11 of 1,528,756 alleles (0.00072%); highest among the groups gnomAD compares: East Asian, 0.025%; no homozygotes.

Submissions (2):

Ambry Genetics
Classification: Uncertain significance. Last evaluated: 2025-03-27. Review status: criteria provided, single submitter. Criteria: Ambry Variant Classification Scheme 2023. Collection method: clinical testing. Allele origin: germline.

Labcorp Genetics (formerly Invitae), Labcorp
Classification: Uncertain significance. Last evaluated: 2022-05-17. Review status: criteria provided, single submitter. Criteria: Invitae Variant Classification Sherloc (09022015). Collection method: clinical testing. Allele origin: germline.
Comment: This sequence change replaces glutamic acid, which is acidic and polar, with lysine, which is basic and polar, at codon 6 of the RNF31 protein (p.Glu6Lys). This variant is present in population databases (rs760682320, gnomAD 0.07%), and has an allele count higher than expected for a pathogenic variant. This variant has not been reported in the literature in individuals affected with RNF31-related conditions. Algorithms developed to predict the effect of missense changes on protein structure and function are either unavailable or do not agree on the potential impact of this missense change (SIFT: "Tolerated"; PolyPhen-2: "Probably Damaging"; Align-GVGD: "Class C0"). In summary, the available evidence is currently insufficient to determine the role of this variant in disease. Therefore, it has been classified as a Variant of Uncertain Significance.